The following is an entry in ClinVar:

NM_000179.3(MSH6):c.1365_1366del (p.Asn455fs)

Gene: MSH6 (mutS homolog 6; plus strand). Cytogenetic location: 2p16.3.
Variant type: Deletion.
Coding change: c.1365_1366del on transcript NM_000179.3 (MANE Select); coding-DNA positions 1365 to 1366, 2 bases deleted (CT; older notation c.1365_1366delCT).
Protein change: p.Asn455fs; shifts the reading frame from asparagine 455.
Molecular consequence: frameshift variant.
Genome position (GRCh38, 1-based): chr2:47,799,348-47,799,349, CT deleted. VCF-style (leftmost placement, unchanged base first): chr2-47799347-ACT-A. GRCh37 (hg19) VCF-style: chr2-48026486-ACT-A.
Other names: c.975_976del, p.Asn325fs (NM_001281492.2); c.459_460del, p.Asn153fs (NM_001281493.2, NM_001281494.2); c.1461_1462delCT, p.Asn487Lysfs (NM_001406795.1, NM_001406802.1); c.1365_1366delCT, p.Asn455Lysfs (NM_001406796.1, NM_001406798.1, NM_001406800.1 and 4 more transcripts); c.1068_1069delCT, p.Asn356Lysfs (NM_001406797.1, NM_001406801.1, NM_001406805.1 and 10 more transcripts); c.840_841delCT, p.Asn280Lysfs (NM_001406799.1, NM_001406806.1, NM_001406807.1); c.1287_1288delCT, p.Asn429Lysfs (NM_001406804.1); c.459_460delCT, p.Asn153Lysfs (NM_001406811.1, NM_001406812.1, NM_001406814.1 and 4 more transcripts); and 2 more; short protein forms N153fs, N455fs, N325fs.
Identifiers: ClinVar variation 1770909 (VCV001770909.2), dbSNP rs2530605376, ClinGen allele CA2580067574.
Genomic context (GRCh38, chr2:47,799,347, plus strand): 5'-TGTACCACATGGATGCTCTTATTGGAGTCAGTGAACTGGGGCTGGTATTCATGAAAGGCA[ACT>A]GGGCCCATTCTGGCTTTCCTGAAATTGCATTTGGCCGTTATTCAGATTCCCTGGTGCAGA-3'

ClinVar aggregate classification (germline): Pathogenic (1 of 4 stars; one submission).

Conditions:
Hereditary cancer-predisposing syndrome. Also called: Hereditary Cancer Syndrome; Hereditary neoplastic syndrome; Neoplastic Syndromes, Hereditary; Tumor predisposition. Identifiers: Orphanet 140162, MedGen C0027672, MeSH D009386, MONDO:0015356.

Submission:

Ambry Genetics
Classification: Pathogenic for Hereditary cancer-predisposing syndrome. Last evaluated: 2019-07-19. Review status: criteria provided, single submitter. Criteria: Ambry Variant Classification Scheme 2023. Collection method: clinical testing. Allele origin: germline.
Comment: The c.1365_1366delCT pathogenic mutation, located in coding exon 4 of the MSH6 gene, results from a deletion of two nucleotides at nucleotide positions 1365 to 1366, causing a translational frameshift with a predicted alternate stop codon (p.N455Kfs*8). This alteration is expected to result in loss of function by premature protein truncation or nonsense-mediated mRNA decay. As such, this alteration is interpreted as a disease-causing mutation.